The following is an entry in ClinVar:

ClinVar aggregate classification (germline): Uncertain significance (1 of 4 stars; one submission).

Allele frequency attached by ClinVar (database versions not stated): gnomAD exomes below 0.00001.
gnomAD v4.1: 1 of 1,390,986 alleles (0.000072%); highest among the groups gnomAD compares: Non-Finnish European, 0.0001%; no homozygotes.

Submission:

Ambry Genetics
Classification: Uncertain significance. Last evaluated: 2022-03-14. Review status: criteria provided, single submitter. Criteria: Ambry Variant Classification Scheme 2023. Collection method: clinical testing. Allele origin: germline.
Comment: The p.T2421I variant (also known as c.7262C>T), located in coding exon 26 of the POLQ gene, results from a C to T substitution at nucleotide position 7262. The threonine at codon 2421 is replaced by isoleucine, an amino acid with similar properties. This amino acid position is conserved. In addition, the in silico prediction for this alteration is inconclusive. Since supporting evidence is limited at this time, the clinical significance of this alteration remains unclear.

NM_199420.4(POLQ):c.7262C>T (p.Thr2421Ile)

Gene: POLQ (DNA polymerase theta; minus strand). Cytogenetic location: 3q13.33.
Variant type: single nucleotide variant.
Coding change: c.7262C>T on transcript NM_199420.4 (MANE Select); coding-DNA position 7262, C replaced by T.
Protein change: p.Thr2421Ile; replaces threonine 2421 with isoleucine.
Molecular consequence: missense variant.
Genome position (GRCh38, 1-based): chr3:121,449,317, G>A on the plus strand (C>T on the coding strand, the complement: POLQ is on the minus strand). VCF-style: chr3-121449317-G-A. GRCh37 (hg19) VCF-style: chr3-121168164-G-A.
Other names: short protein forms T2421I.
Identifiers: ClinVar variation 1757968 (VCV001757968.2), dbSNP rs750409722, ClinGen allele CA354102209.